The following is an entry in ClinVar:

NM_007315.4(STAT1):c.1946G>A (p.Arg649His)

Gene: STAT1 (signal transducer and activator of transcription 1; minus strand). Cytogenetic location: 2q32.2.
Variant type: single nucleotide variant.
Coding change: c.1946G>A on transcript NM_007315.4 (MANE Select); coding-DNA position 1946, G replaced by A.
Protein change: p.Arg649His; replaces arginine 649 with histidine.
Molecular consequence: missense variant.
Genome position (GRCh38, 1-based): chr2:190,976,953, C>T on the plus strand (G>A on the coding strand, the complement: STAT1 is on the minus strand). VCF-style: chr2-190976953-C-T. GRCh37 (hg19) VCF-style: chr2-191841679-C-T.
Other names: c.1886G>A, p.Arg629His (NM_001384880.1); c.1952G>A, p.Arg651His (NM_001384881.1, NM_001384884.1); c.1940G>A, p.Arg647His (NM_001384882.1); c.1847G>A, p.Arg616His (NM_001384883.1); c.1787G>A, p.Arg596His (NM_001384885.1); c.1946G>A, p.Arg649His (NM_001384886.1, NM_001384889.1, NM_139266.3); c.1853G>A, p.Arg618His (NM_001384887.1); c.1916G>A, p.Arg639His (NM_001384888.1); and 2 more; short protein forms R596H, R616H, R618H, R619H, R629H, R639H, R647H, R649H.
Identifiers: ClinVar variation 2651770 (VCV002651770.24), dbSNP rs1245176183, ClinGen allele CA349912256.

ClinVar aggregate classification (germline): Uncertain significance (1 of 4 stars; one submission).

Allele frequency attached by ClinVar (database versions not stated): gnomAD exomes below 0.00001.
gnomAD v4.1: 4 of 1,614,146 alleles (0.00025%); highest among the groups gnomAD compares: Non-Finnish European, 0.00017%; no homozygotes.

Submission:

CeGaT Center for Human Genetics Tuebingen
Classification: Uncertain significance. Last evaluated: 2022-10-01. Review status: criteria provided, single submitter. Criteria: CeGaT Center For Human Genetics Tuebingen Variant Classification Criteria Version 2. Collection method: clinical testing. Allele origin: germline. Affected: yes. Observed: 1 variant allele.
Comment: STAT1: PM2, PP2, PP3